The following is an entry in ClinVar:

NM_003718.5(CDK13):c.4192G>C (p.Glu1398Gln)

Gene: CDK13 (cyclin dependent kinase 13; plus strand). Cytogenetic location: 7p14.1.
Variant type: single nucleotide variant.
Coding change: c.4192G>C on transcript NM_003718.5 (MANE Select); coding-DNA position 4192, G replaced by C.
Protein change: p.Glu1398Gln; replaces glutamic acid 1398 with glutamine.
Molecular consequence: missense variant.
Genome position (GRCh38, 1-based): chr7:40,094,633, G>C. VCF-style: chr7-40094633-G-C. GRCh37 (hg19) VCF-style: chr7-40134232-G-C.
Other names: c.4012G>C, p.Glu1338Gln (NM_031267.4); short protein forms E1398Q, E1338Q.
Identifiers: ClinVar variation 2354454 (VCV002354454.5), dbSNP rs372943622, ClinGen allele CA4229092.
Genomic context (GRCh38, chr7:40,094,633, plus strand): 5'-GATAACTACAGTACTGCTTCATCTCATTCTGGTGGTCCACCTCAGCCTTCTGCCTTTTCT[G>C]AGTCATTTCCCAGTTCAGTAGCTGGATATGGAGACATTTACCTCAATGCTGGTCCCATGT-3'
Protein context (NP_003709.3, residues 1388-1408): GGPPQPSAFS[Glu1398Gln]SFPSSVAGYG

ClinVar aggregate classification (germline): Conflicting classifications of pathogenicity. Review status: criteria provided, conflicting classifications (1 of 4 stars). 2 submissions from 2 submitters: Uncertain significance (1); Likely benign (1). Last evaluated 2026-01-09.

Conditions:
Inborn genetic diseases. Identifiers: MedGen C0950123, MeSH D030342.

Allele frequency attached by ClinVar (database versions not stated): ExAC 0.00003; gnomAD 0.00003; ESP Exome Variant Server 0.00008; TOPMed 0.00027.
gnomAD v4.1: 209 of 1,613,978 alleles (0.013%); highest among the groups gnomAD compares: Non-Finnish European, 0.015%; no homozygotes.

Submissions (2):

Labcorp Genetics (formerly Invitae), Labcorp
Classification: Uncertain significance. Last evaluated: 2026-01-09. Review status: criteria provided, single submitter. Criteria: Invitae Variant Classification Sherloc (09022015). Collection method: clinical testing. Allele origin: germline.
Comment: This sequence change replaces glutamic acid, which is acidic and polar, with glutamine, which is neutral and polar, at codon 1398 of the CDK13 protein (p.Glu1398Gln). This variant is present in population databases (rs372943622, gnomAD 0.008%). This variant has not been reported in the literature in individuals affected with CDK13-related conditions. ClinVar contains an entry for this variant (Variation ID: 2354454). Invitae Evidence Modeling of protein sequence and biophysical properties (such as structural, functional, and spatial information, amino acid conservation, physicochemical variation, residue mobility, and thermodynamic stability) has been performed for this missense variant. However, the output from this modeling did not meet the statistical confidence thresholds required to predict the impact of this variant on CDK13 protein function. In summary, the available evidence is currently insufficient to determine the role of this variant in disease. Therefore, it has been classified as a Variant of Uncertain Significance.

Ambry Genetics
Classification: Likely benign for Inborn genetic diseases. Last evaluated: 2022-01-26. Review status: criteria provided, single submitter. Criteria: Ambry Variant Classification Scheme 2023. Collection method: clinical testing. Allele origin: germline.